The following is an entry in ClinVar:

NM_001397.3(ECE1):c.52-21G>A

Genes: ECE1 (endothelin converting enzyme 1; minus strand), LOC129929605 (ATAC-STARR-seq lymphoblastoid silent region 377; plus strand). Cytogenetic location: 1p36.12.
Variant type: single nucleotide variant.
Coding change: c.52-21G>A on transcript NM_001397.3 (MANE Select); 21 bases into the intron before coding-DNA position 52, G replaced by A.
Molecular consequence: intron variant. On other transcripts: missense variant (1).
Genome position (GRCh38, 1-based): chr1:21,290,177, C>T on the plus strand (G>A on the coding strand, the complement: ECE1 is on the minus strand). VCF-style: chr1-21290177-C-T. GRCh37 (hg19) VCF-style: chr1-21616670-C-T.
Other names: c.22G>A, p.Val8Met (NM_001113349.2); c.4-21G>A (NM_001113348.2); short protein forms V8M.
Identifiers: ClinVar variation 4991059 (VCV004991059.1).
Genomic context (GRCh38, chr1:21,290,177, plus strand): 5'-GGTCCTCCTCGTCCAGCGTGGCCCGCTTGTACGTCGACATCTGCAAGGCCAAATGCAGCA[C>T]GGACTCCCTCAGCGCCTCCATGGCTCTCGCGCCCGAATGGGGAAGCGGCCCCGACCCTGG-3'

ClinVar aggregate classification (germline): Uncertain significance (1 of 4 stars; one submission).

Conditions:
ECE1-related disorder. Also called: ECE1-related condition.

gnomAD v4.1: 46 of 1,538,292 alleles (0.003%); highest among the groups gnomAD compares: Non-Finnish European, 0.004%; no homozygotes.

Submission:

PreventionGenetics, part of Exact Sciences
Classification: Uncertain significance for ECE1-related condition. Last evaluated: 2026-03-03. Review status: criteria provided, single submitter. Criteria: ACMG Guidelines, 2015. Collection method: clinical testing. Allele origin: germline.
Comment: The ECE1 c.22G>A variant is predicted to result in the amino acid substitution p.Val8Met. To our knowledge, this variant has not been reported in the literature. This variant is reported in 0.0052% of alleles in individuals of European (Non-Finnish) descent in gnomAD. At this time, the clinical significance of this variant is uncertain due to the absence of conclusive functional and genetic evidence.